The following is an entry in ClinVar:

NM_000545.8(HNF1A):c.736del (p.Val246fs)

Gene: HNF1A (HNF1 homeobox A; plus strand). Cytogenetic location: 12q24.31.
Variant type: Deletion.
Coding change: c.736del on transcript NM_000545.8 (MANE Select); coding-DNA position 736, one base deleted (G; older notation c.736delG).
Protein change: p.Val246fs; shifts the reading frame from valine 246.
Molecular consequence: frameshift variant.
Genome position (GRCh38, 1-based): chr12:120,994,186, G deleted; the last of 4 consecutive G bases (chr12:120,994,183-120,994,186); deleting any one gives the same sequence. VCF-style (leftmost placement, unchanged base first): chr12-120994182-AG-A. GRCh37 (hg19) VCF-style: chr12-121431985-AG-A.
Other names: c.736del, p.Val246fs (NM_001306179.2, NM_001406915.1); short protein forms V246fs.
Identifiers: ClinVar variation 3652424 (VCV003652424.2).
Genomic context (GRCh38, chr12:120,994,182, plus strand): 5'-TCTGAGCCTGGCCTGGAGGCTCATGGGTGGCTATTTCTGCAGGGCGGAATGCATCCAGAG[AG>A]GGGTGTCCCCATCACAGGCACAGGGGCTGGGCTCCAACCTCGTCACGGAGGTGCGTGTCT-3'

ClinVar aggregate classification (germline): Pathogenic (1 of 4 stars; one submission).

Submission:

Labcorp Genetics (formerly Invitae), Labcorp
Classification: Pathogenic. Last evaluated: 2024-05-06. Review status: criteria provided, single submitter. Criteria: Invitae Variant Classification Sherloc (09022015). Collection method: clinical testing. Allele origin: germline.
Comment: This sequence change creates a premature translational stop signal (p.Val246Cysfs*96) in the HNF1A gene. It is expected to result in an absent or disrupted protein product. Loss-of-function variants in HNF1A are known to be pathogenic (PMID: 15928245, 18003757). This variant is not present in population databases (gnomAD no frequency). This variant has not been reported in the literature in individuals affected with HNF1A-related conditions. For these reasons, this variant has been classified as Pathogenic.

Literature cited by the submitters: PubMed 15928245; PubMed 18003757.